The following is an entry in ClinVar:

NM_006767.4(LZTR1):c.1644G>A (p.Met548Ile)

Gene: LZTR1 (leucine zipper like post translational regulator 1; plus strand). Cytogenetic location: 22q11.21.
Variant type: single nucleotide variant.
Coding change: c.1644G>A on transcript NM_006767.4 (MANE Select); coding-DNA position 1644, G replaced by A.
Protein change: p.Met548Ile; replaces methionine 548 with isoleucine.
Molecular consequence: missense variant.
Genome position (GRCh38, 1-based): chr22:20,994,586, G>A. VCF-style: chr22-20994586-G-A. GRCh37 (hg19) VCF-style: chr22-21348875-G-A.
Other names: c.1644G>A (NM_006767.3); short protein forms M548I.
Identifiers: ClinVar variation 2896980 (VCV002896980.6), dbSNP rs146195984, ClinGen allele CA10119014.

ClinVar aggregate classification (germline): Uncertain significance. Review status: criteria provided, multiple submitters, no conflicts (2 of 4 stars). 3 submissions from 3 submitters: Uncertain significance (3). Last evaluated 2025-05-26.

Conditions:
Cardiovascular phenotype. Identifiers: MedGen CN230736.
Hereditary cancer-predisposing syndrome. Also called: Neoplastic Syndromes, Hereditary; Hereditary neoplastic syndrome; Tumor predisposition; Hereditary Cancer Syndrome. Identifiers: Orphanet 140162, MedGen C0027672, MeSH D009386, MONDO:0015356.

Allele frequency attached by ClinVar (database versions not stated): gnomAD exomes below 0.00001; gnomAD 0.00001; TOPMed 0.00001; ExAC 0.00002; ESP Exome Variant Server 0.00008.
gnomAD v4.1: 5 of 1,611,770 alleles (0.00031%); highest among the groups gnomAD compares: African/African-American, 0.004%; no homozygotes.

Submissions (3):

Labcorp Genetics (formerly Invitae), Labcorp
Classification: Uncertain significance. Last evaluated: 2025-05-26. Review status: criteria provided, single submitter. Criteria: Invitae Variant Classification Sherloc (09022015). Collection method: clinical testing. Allele origin: germline.
Comment: This sequence change replaces methionine, which is neutral and non-polar, with isoleucine, which is neutral and non-polar, at codon 548 of the LZTR1 protein (p.Met548Ile). This variant is present in population databases (rs146195984, gnomAD 0.007%). This variant has not been reported in the literature in individuals affected with LZTR1-related conditions. ClinVar contains an entry for this variant (Variation ID: 2896980). Invitae Evidence Modeling of protein sequence and biophysical properties (such as structural, functional, and spatial information, amino acid conservation, physicochemical variation, residue mobility, and thermodynamic stability) indicates that this missense variant is not expected to disrupt LZTR1 protein function with a negative predictive value of 80%. Algorithms developed to predict the effect of sequence changes on RNA splicing suggest that this variant may create or strengthen a splice site. In summary, the available evidence is currently insufficient to determine the role of this variant in disease. Therefore, it has been classified as a Variant of Uncertain Significance.

Ambry Genetics
Classification: Uncertain significance for Cardiovascular phenotype; Hereditary cancer-predisposing syndrome. Last evaluated: 2024-07-05. Review status: criteria provided, single submitter. Criteria: Ambry Variant Classification Scheme 2023. Collection method: clinical testing. Allele origin: germline.
Comment: The c.1644G>A variant (also known as p.M548I), located in coding exon 15 of the LZTR1 gene, results from a G to A substitution at nucleotide position 1644. The methionine at codon 548 is replaced by isoleucine, an amino acid with highly similar properties. This nucleotide position is highly conserved in available vertebrate species. In silico splice site analysis predicts that this alteration will result in the creation or strengthening of a novel splice acceptor site. RNA studies have demonstrated that this alteration results in a transcript predicted to lead to a protein with an in-frame deletion of 10 amino acids; however, the exact functional impact of the deleted amino acids is unknown at this time (Ambry internal data). Based on the available evidence, the clinical significance of this variant remains unclear.

Clinical Genetics Laboratory, Skane University Hospital Lund
Classification: Uncertain significance. Last evaluated: 2022-05-27. Review status: criteria provided, single submitter. Criteria: ACMG Guidelines, 2015. Collection method: clinical testing. Allele origin: germline. Affected: yes.